The following is an entry in ClinVar:

NM_001377142.1(PLCB4):c.614C>A (p.Ser205Tyr)

Gene: PLCB4 (phospholipase C beta 4; plus strand). Cytogenetic location: 20p12.2.
Variant type: single nucleotide variant.
Coding change: c.614C>A on transcript NM_001377142.1 (MANE Select); coding-DNA position 614, C replaced by A.
Protein change: p.Ser205Tyr; replaces serine 205 with tyrosine.
Molecular consequence: missense variant.
Genome position (GRCh38, 1-based): chr20:9,372,331, C>A. VCF-style: chr20-9372331-C-A. GRCh37 (hg19) VCF-style: chr20-9352978-C-A.
Other names: c.614C>A, p.Ser205Tyr (NM_182797.3, NM_000933.4, NM_001172646.2 and 4 more transcripts); short protein forms S205Y.
Identifiers: ClinVar variation 4886179 (VCV004886179.2).

ClinVar aggregate classification (germline): Uncertain significance (1 of 4 stars; one submission).

gnomAD v4.1: 1 of 1,595,678 alleles (0.000063%); highest among the groups gnomAD compares: Admixed American, 0.0017%; no homozygotes.

Submission:

Dasa
Classification: Uncertain significance. Last evaluated: 2025-10-17. Review status: criteria provided, single submitter. Criteria: DASA Assertion Criteria. Collection method: clinical testing. Allele origin: germline.
Comment: NM_001377142.1(PLCB4):c.614C>A (p.Ser205Tyr) is a missense variant that results in the substitution of serine with tyrosine. This variant is rare in population databases. The currently available literature and clinical evidence are not sufficient to establish a definitive association between this variant and the reported condition. Therefore, this variant is classified as a variant of uncertain significance.